The following is an entry in ClinVar:

ClinVar aggregate classification (germline): Likely benign. Review status: criteria provided, multiple submitters, no conflicts (2 of 4 stars). 2 submissions from 2 submitters: Likely benign (2). Last evaluated 2025-12-19.

Conditions:
Dilated cardiomyopathy 1G (CMD1G). Identifiers: Orphanet 154, MedGen C1858763, MONDO:0011400, OMIM 604145.
Autosomal recessive limb-girdle muscular dystrophy type 2J (LGMDR10). Also called: Limb-girdle muscular dystrophy, type 2J; MUSCULAR DYSTROPHY, LIMB-GIRDLE, AUTOSOMAL RECESSIVE 10. Identifiers: Orphanet 140922, MedGen C1837342, MONDO:0012127, OMIM 608807.

Allele frequency attached by ClinVar (database versions not stated): gnomAD exomes 0.00001 and 0.00002; ExAC 0.00002; gnomAD 0.00002; TOPMed 0.00002.
gnomAD v4.1: 38 of 1,605,706 alleles (0.0024%); highest among the groups gnomAD compares: Non-Finnish European, 0.0031%; no homozygotes.

Submissions (2):

Labcorp Genetics (formerly Invitae), Labcorp
Classification: Likely benign for Dilated cardiomyopathy 1G; Autosomal recessive limb-girdle muscular dystrophy type 2J. Last evaluated: 2025-12-19. Review status: criteria provided, single submitter. Criteria: Invitae Variant Classification Sherloc (09022015). Collection method: clinical testing. Allele origin: germline.

GeneDx
Classification: Likely benign. Last evaluated: 2017-04-21. Review status: criteria provided, single submitter. Criteria: GeneDx Variant Classification (06012015). Collection method: clinical testing. Allele origin: germline. Affected: yes.
Comment: This variant is considered likely benign or benign based on one or more of the following criteria: it is a conservative change, it occurs at a poorly conserved position in the protein, it is predicted to be benign by multiple in silico algorithms, and/or has population frequency not consistent with disease.

NM_001267550.2(TTN):c.107680+19G>A

Genes: TTN-AS1 (TTN antisense RNA 1; plus strand), TTN (titin; minus strand). Cytogenetic location: 2q31.2.
Variant type: single nucleotide variant.
Coding change: c.107680+19G>A on transcript NM_001267550.2 (MANE Select); 19 bases into the intron after coding-DNA position 107680, G replaced by A.
Molecular consequence: intron variant.
Genome position (GRCh38, 1-based): chr2:178,527,427, C>T on the plus strand (G>A on the coding strand, the complement: TTN is on the minus strand). VCF-style: chr2-178527427-C-T. GRCh37 (hg19) VCF-style: chr2-179392154-C-T.
Other names: c.80485+19G>A (NM_003319.4); c.81061+19G>A (NM_133437.4); c.80860+19G>A (NM_133432.3); c.99976+19G>A (NM_133378.4); c.102757+19G>A (NM_001256850.1).
Identifiers: ClinVar variation 509136 (VCV000509136.9), dbSNP rs771282051, ClinGen allele CA1984910.